The following is an entry in ClinVar:

ClinVar aggregate classification (germline): Uncertain significance (3 of 4 stars; one submission).

Conditions:
Monogenic diabetes. Identifiers: Orphanet 183625, MedGen C3888631, MONDO:0015967.

Submission:

ClinGen Monogenic Diabetes Variant Curation Expert Panel
Classification: Uncertain significance for Monogenic diabetes. Last evaluated: 2026-01-07. Review status: reviewed by expert panel. Criteria: ClinGen Diabetes ACMG Specifications HNF4A V4.0.0. Collection method: curation. Allele origin: germline. Inheritance: Autosomal dominant inheritance.
Comment: The c.1309C>T variant in the hepatocyte nuclear factor 4-alpha gene, HNF4A, causes an amino acid change of proline to serine at codon 437 (p.(Pro437Ser)) of NM_175914.5. This variant is absent from gnomAD v4.1.0 (PM2_Supporting). This variant has a REVEL score of 0.153, which is between the ClinGen MDEP thresholds for BP4 and PP3, predicting neither a damaging nor benign impact on HNF4A function. This variant was identified in two unrelated individuals with non-autoimmune and non-absolute/near-absolute insulin-deficient diabetes; however, PS4_Moderate cannot be applied because this number is below the ClinGen MDEP threshold (internal lab contributors). This variant segregated with diabetes with one informative meioses in a single family; however, this does not meet the thresholds for PP1 set by the ClinGen MDEP (PMID: 27236918, internal lab contributors). Another missense variant at the same residue, c.1310C>T (p.Pro437Leu), has been classified as likely pathogenic by the ClinGen MDEP (PM5_Supporting). In summary, c.1309C>T meets the criteria to be classified as a variant of uncertain significance for monogenic diabetes. ACMG/AMP criteria applied, as specified by the ClinGen MDEP (specification version 4.0.0, approved 10/10/2025): PP4, PM2_Supporting, PM5_Supporting.

NM_175914.5(HNF4A):c.1309C>T (p.Pro437Ser)

Gene: HNF4A (hepatocyte nuclear factor 4 alpha; plus strand). Cytogenetic location: 20q13.12.
Variant type: single nucleotide variant.
Coding change: c.1309C>T on transcript NM_175914.5 (MANE Select); coding-DNA position 1309, C replaced by T.
Protein change: p.Pro437Ser; replaces proline 437 with serine.
Molecular consequence: missense variant.
Genome position (GRCh38, 1-based): chr20:44,429,615, C>T. VCF-style: chr20-44429615-C-T. GRCh37 (hg19) VCF-style: chr20-43058255-C-T.
Other names: NM_175914.5:c.1309C>T; c.1375C>T, p.Pro459Ser (NM_000457.6); c.1279C>T, p.Pro427Ser (NM_001030003.3); c.1354C>T, p.Pro452Ser (NM_001258355.2); c.1270C>T, p.Pro424Ser (NM_001287182.2); c.1300C>T, p.Pro434Ser (NM_001287183.2); c.1345C>T, p.Pro449Ser (NM_178849.3); short protein forms P424S, P427S, P434S, P437S, P449S, P452S, P459S.
Identifiers: ClinVar variation 4687862 (VCV004687862.1).
Genomic context (GRCh38, chr20:44,429,615, plus strand): 5'-GGTGGCTCAGGGTCTGAGCCCTATAAGCTCCTGCCGGGAGCCGTCGCCACAATCGTCAAG[C>T]CCCTCTCTGCCATCCCCCAGCCGACCATCACCAAGCAGGAAGTTATCTAGCAAGCCGCTG-3'
Protein context (NP_787110.2, residues 427-447): LPGAVATIVK[Pro437Ser]LSAIPQPTIT